The following is an entry in ClinVar:

ClinVar aggregate classification (germline): Likely benign. Review status: criteria provided, multiple submitters, no conflicts (2 of 4 stars). 3 submissions from 3 submitters: Likely benign (3). Last evaluated 2026-02-01.

Conditions:
CD2AP-related disorder. Also called: CD2AP-related condition.

Allele frequency attached by ClinVar (database versions not stated): gnomAD exomes 0.00006 and 0.00020; ExAC 0.00015; 1000 Genomes Project 0.00040; 1000 Genomes Project 30x 0.00047; gnomAD 0.00048 and 0.00053; TOPMed 0.00060; ESP Exome Variant Server 0.00077.
gnomAD v4.1: 161 of 1,613,196 alleles (0.01%); highest among the groups gnomAD compares: African/African-American, 0.17%; no homozygotes.

Submissions (3):

Labcorp Genetics (formerly Invitae), Labcorp
Classification: Likely benign. Last evaluated: 2026-02-01. Review status: criteria provided, single submitter. Criteria: Invitae Variant Classification Sherloc (09022015). Collection method: clinical testing. Allele origin: germline.

PreventionGenetics, part of Exact Sciences
Classification: Likely benign for CD2AP-related condition. Last evaluated: 2025-02-04. Review status: criteria provided, single submitter. Criteria: ACMG Guidelines, 2015. Collection method: clinical testing. Allele origin: germline.
Comment: This variant is classified as likely benign based on ACMG/AMP sequence variant interpretation guidelines (Richards et al. 2015 PMID: 25741868, with internal and published modifications).

Breakthrough Genomics
Classification: Likely benign. Review status: criteria provided, single submitter. Criteria: ACMG Guidelines, 2015. Collection method: not provided. Allele origin: germline. Inheritance: Unknown mechanism. Affected: yes.

NM_012120.3(CD2AP):c.164A>C (p.Lys55Thr)

Gene: CD2AP (CD2 associated protein; plus strand). Cytogenetic location: 6p12.3.
Variant type: single nucleotide variant.
Coding change: c.164A>C on transcript NM_012120.3 (MANE Select); coding-DNA position 164, A replaced by C.
Protein change: p.Lys55Thr; replaces lysine 55 with threonine.
Molecular consequence: missense variant.
Genome position (GRCh38, 1-based): chr6:47,503,439, A>C. VCF-style: chr6-47503439-A-C. GRCh37 (hg19) VCF-style: chr6-47471175-A-C.
Other names: c.164A>C (NM_012120.2); short protein forms K55T.
Identifiers: ClinVar variation 1633819 (VCV001633819.10), dbSNP rs151118470, ClinGen allele CA3843901.